The following is an entry in ClinVar:

NM_001384950.1(NLRC5):c.4070+43G>A

Genes: NLRC5 (NLR family CARD domain containing 5; plus strand), LOC126862362 (BRD4-independent group 4 enhancer GRCh37_chr16:57095254-57096453; plus strand). Cytogenetic location: 16q13.
Variant type: single nucleotide variant.
Coding change: c.4070+43G>A on transcript NM_001384950.1 (MANE Select); 43 bases into the intron after coding-DNA position 4070, G replaced by A.
Molecular consequence: intron variant.
Genome position (GRCh38, 1-based): chr16:57,061,574, G>A. VCF-style: chr16-57061574-G-A. GRCh37 (hg19) VCF-style: chr16-57095486-G-A.
Other names: c.3986+43G>A (NM_001384954.1, NM_001384965.1); c.4067+43G>A (NM_001384953.1, NM_001384957.1, NM_001384952.1 and 3 more transcripts); c.3983+43G>A (NM_001384956.1, NM_001384951.1, NM_001330552.2 and 2 more transcripts); c.3893+43G>A (NM_001384959.1, NM_001384960.1); c.4070+43G>A (NM_032206.5, NM_001384955.1, NM_001384969.1 and 2 more transcripts); c.3896+43G>A (NM_001384958.1); c.3980+43G>A (NM_001384967.1); c.3977+43G>A (NM_001384968.1); and 1 more.
Identifiers: ClinVar variation 103189 (VCV000103189.2), dbSNP rs199476004, ClinGen allele CA230237.

ClinVar aggregate classification (germline): not provided (0 of 4 stars; one submission).

Allele frequency attached by ClinVar (database versions not stated): gnomAD exomes 0.00003 and 0.00006; ExAC 0.00009; 1000 Genomes Project 30x 0.00016; gnomAD 0.00019 and 0.00020; 1000 Genomes Project 0.00020; TOPMed 0.00025; ESP Exome Variant Server 0.00038.
gnomAD v4.1: 66 of 1,608,500 alleles (0.0041%); highest among the groups gnomAD compares: African/African-American, 0.045%; no homozygotes.

Submission:

Human Evolutionary Genetics, Institut Pasteur
No classification provided. Review status: no classification provided. Collection method: not provided. Allele origin: germline.
ClinVar note: Converted during submission from untested to not provided.